The following is an entry in ClinVar:

ClinVar aggregate classification (germline): Uncertain significance (1 of 4 stars; one submission).

Conditions:
Inborn genetic diseases. Identifiers: MedGen C0950123, MeSH D030342.

Allele frequency attached by ClinVar (database versions not stated): gnomAD exomes below 0.00001.
gnomAD v4.1: 4 of 1,536,114 alleles (0.00026%); highest among the groups gnomAD compares: Non-Finnish European, 0.00035%; no homozygotes.

Submission:

Ambry Genetics
Classification: Uncertain significance for Inborn genetic diseases. Last evaluated: 2021-09-03. Review status: criteria provided, single submitter. Criteria: Ambry Variant Classification Scheme 2023. Collection method: clinical testing. Allele origin: germline.
Comment: The p.P756S variant (also known as c.2266C>T), located in coding exon 9 of the WNK1 gene, results from a C to T substitution at nucleotide position 2266. The proline at codon 756 is replaced by serine, an amino acid with similar properties. This amino acid position is well conserved in available vertebrate species. In addition, the in silico prediction for this alteration is inconclusive. Since supporting evidence is limited at this time, the clinical significance of this alteration remains unclear.

NM_213655.5(WNK1):c.2266C>T (p.Pro756Ser)

Gene: WNK1 (WNK lysine deficient protein kinase 1; plus strand). Cytogenetic location: 12p13.33.
Variant type: single nucleotide variant.
Coding change: c.2266C>T on transcript NM_213655.5 (MANE Plus Clinical); coding-DNA position 2266, C replaced by T.
Protein change: p.Pro756Ser; replaces proline 756 with serine.
Molecular consequence: missense variant. On other transcripts: intron variant (3).
Genome position (GRCh38, 1-based): chr12:865,236, C>T. VCF-style: chr12-865236-C-T. GRCh37 (hg19) VCF-style: chr12-974402-C-T.
Other names: c.2140-2630C>T (NM_001184985.2); c.2139+2966C>T (NM_018979.4, NM_014823.3); short protein forms P756S.
Identifiers: ClinVar variation 1788706 (VCV001788706.2), dbSNP rs1951561011, ClinGen allele CA383337676.